The following is an entry in ClinVar:

NM_000540.3(RYR1):c.6796G>C (p.Gly2266Arg)

Gene: RYR1 (ryanodine receptor 1; plus strand). Cytogenetic location: 19q13.2.
Variant type: single nucleotide variant.
Coding change: c.6796G>C on transcript NM_000540.3 (MANE Select); coding-DNA position 6796, G replaced by C.
Protein change: p.Gly2266Arg; replaces glycine 2266 with arginine.
Molecular consequence: missense variant.
Genome position (GRCh38, 1-based): chr19:38,496,541, G>C. VCF-style: chr19-38496541-G-C. GRCh37 (hg19) VCF-style: chr19-38987181-G-C.
Other names: c.6796G>C, p.Gly2266Arg (NM_001042723.2); short protein forms G2266R.
Identifiers: ClinVar variation 1012446 (VCV001012446.46), dbSNP rs772803714, ClinGen allele CA068720.

ClinVar aggregate classification (germline): Uncertain significance. Review status: criteria provided, multiple submitters, no conflicts (2 of 4 stars). 6 submissions from 6 submitters: Uncertain significance (6). Last evaluated 2024-11-02.

Conditions:
RYR1-related disorder. Also called: RYR1-related condition; RYR1-related disorders. Identifiers: MedGen CN239331.
Malignant hyperthermia, susceptibility to, 1 (MHS1). Also called: Malignant hyperthermia suceptibility 1; Anesthesia related hyperthermia; Malignant hyperpyrexia; Fulminating hyperpyrexia; Pharmacogenic myopathy; RYR1-Related Malignant Hyperthermia Susceptibility. Identifiers: Orphanet 423, MedGen C2930980, MONDO:0007783, OMIM 145600.

Allele frequency attached by ClinVar (database versions not stated): TOPMed 0.00001; gnomAD 0.00005 and 0.00006.
gnomAD v4.1: 22 of 1,613,144 alleles (0.0014%); highest among the groups gnomAD compares: Non-Finnish European, 0.0019%; no homozygotes.

Submissions (6):

Labcorp Genetics (formerly Invitae), Labcorp
Classification: Uncertain significance for RYR1-related disorder. Last evaluated: 2024-11-02. Review status: criteria provided, single submitter. Criteria: Invitae Variant Classification Sherloc (09022015). Collection method: clinical testing. Allele origin: germline.
Comment: This sequence change replaces glycine, which is neutral and non-polar, with arginine, which is basic and polar, at codon 2266 of the RYR1 protein (p.Gly2266Arg). This variant also falls at the last nucleotide of exon 41, which is part of the consensus splice site for this exon. This variant is present in population databases (rs772803714, gnomAD 0.01%). This variant has not been reported in the literature in individuals affected with RYR1-related conditions. ClinVar contains an entry for this variant (Variation ID: 1012446). An algorithm developed to predict the effect of missense changes on protein structure and function (PolyPhen-2) suggests that this variant is likely to be tolerated. Variants that disrupt the consensus splice site are a relatively common cause of aberrant splicing (PMID: 17576681, 9536098). Algorithms developed to predict the effect of sequence changes on RNA splicing suggest that this variant may disrupt the consensus splice site. In summary, the available evidence is currently insufficient to determine the role of this variant in disease. Therefore, it has been classified as a Variant of Uncertain Significance.

All of Us Research Program, National Institutes of Health
Classification: Uncertain significance for Malignant hyperthermia, susceptibility to, 1. Last evaluated: 2024-07-20. Review status: criteria provided, single submitter. Criteria: ACMG Guidelines, 2015. Collection method: clinical testing. Allele origin: germline. Inheritance: Autosomal dominant inheritance. Observed: 8 variant alleles, 8 heterozygotes.
Comment: This missense variant replaces glycine with arginine at codon 2266 of the RYR1 protein. Computational prediction suggests that this variant may have deleterious impact on protein structure and function (internally defined REVEL score threshold >= 0.7, PMID: 27666373). To our knowledge, functional studies have not been reported for this variant. This variant has not been reported in individuals affected with RYR1-related disorders in the literature. This variant has been identified in 14/281378 chromosomes in the general population by the Genome Aggregation Database (gnomAD). The available evidence is insufficient to determine the role of this variant in disease conclusively. Therefore, this variant is classified as a Variant of Uncertain Significance.

This study involves interpretation of variants in research participants for the purpose of population health screening. Participant phenotype was not available at the time of variant classification. Additional details can be found in publication PMID: 35346344, PMCID: PMC8962531

Color Diagnostics, LLC DBA Color Health
Classification: Uncertain significance for Malignant hyperthermia, susceptibility to, 1. Last evaluated: 2024-04-24. Review status: criteria provided, single submitter. Criteria: ACMG Guidelines, 2015. Collection method: clinical testing. Allele origin: germline.
Comment: This missense variant replaces glycine with arginine at codon 2266 of the RYR1 protein. Computational prediction suggests that this variant may have deleterious impact on protein structure and function (internally defined REVEL score threshold >= 0.7, PMID: 27666373). To our knowledge, functional studies have not been reported for this variant. This variant has not been reported in individuals affected with RYR1-related disorders in the literature. This variant has been identified in 14/281378 chromosomes in the general population by the Genome Aggregation Database (gnomAD). The available evidence is insufficient to determine the role of this variant in disease conclusively. Therefore, this variant is classified as a Variant of Uncertain Significance.

Blueprint Genetics
Classification: Uncertain significance. Last evaluated: 2024-01-19. Review status: criteria provided, single submitter. Criteria: ACMG Guidelines, 2015. Collection method: clinical testing. Allele origin: germline.

Revvity Omics, Revvity
Classification: Uncertain significance. Last evaluated: 2023-05-24. Review status: criteria provided, single submitter. Criteria: ACMG Guidelines, 2015. Collection method: clinical testing. Allele origin: germline.

CeGaT Center for Human Genetics Tuebingen
Classification: Uncertain significance. Last evaluated: 2021-04-01. Review status: criteria provided, single submitter. Criteria: CeGaT Center For Human Genetics Tuebingen Variant Classification Criteria Version 2. Collection method: clinical testing. Allele origin: germline. Affected: yes. Observed: 2 variant alleles.

Literature cited by the submitters: PubMed 17576681 (cited by Labcorp Genetics (formerly Invitae), Labcorp); PubMed 9536098 (cited by Labcorp Genetics (formerly Invitae), Labcorp).